The following is an entry in ClinVar:

NM_003859.3(DPM1):c.679-7_679-6insTT

Genes: ADNP-AS1 (ADNP antisense RNA 1; plus strand), DPM1 (dolichyl-phosphate mannosyltransferase subunit 1, catalytic; minus strand). Cytogenetic location: 20q13.13.
Variant type: Insertion.
Coding change: c.679-7_679-6insTT on transcript NM_003859.3 (MANE Select); 7 bases into the intron before coding-DNA position 679 through 6 bases into the intron before coding-DNA position 679, TT inserted.
Molecular consequence: intron variant.
Genome position: GRCh38 VCF-style: chr20-50935242-T-TAA. GRCh37 (hg19) VCF-style: chr20-49551779-T-TAA.
Other names: p.?; c.610-7_610-6insTT (NM_001317036.1); c.760-7_760-6insTT (NM_001317035.1); c.784-7_784-6insTT (NM_001317034.1); c.679-7_679-6insTT (NM_003859.2).
Identifiers: ClinVar variation 235463 (VCV000235463.20), dbSNP rs11480415, ClinGen allele CA9909002.

ClinVar aggregate classification (germline): Benign/Likely benign. Review status: criteria provided, multiple submitters, no conflicts (2 of 4 stars). 5 submissions from 5 submitters: Benign (3); Likely benign (1). 1 of the submissions does not count toward it. Last evaluated 2026-02-04.

Conditions:
DPM1-related disorder. Also called: DPM1-related condition.
Congenital disorder of glycosylation type 1E (CDG1E). Also called: CDG Ie; CONGENITAL DISORDER OF GLYCOSYLATION, TYPE Ie. Identifiers: Orphanet 79322, MedGen C1837396, MONDO:0012123, OMIM 608799.

Allele frequency attached by ClinVar (database versions not stated): 1000 Genomes Project 0.02616.

Submissions (5):

Labcorp Genetics (formerly Invitae), Labcorp
Classification: Likely benign for Congenital disorder of glycosylation type 1E. Last evaluated: 2026-02-04. Review status: criteria provided, single submitter. Criteria: Invitae Variant Classification Sherloc (09022015). Collection method: clinical testing. Allele origin: germline.

GeneDx
Classification: Benign. Last evaluated: 2019-03-12. Review status: criteria provided, single submitter. Criteria: GeneDx Variant Classification Process June 2021. Collection method: clinical testing. Allele origin: germline. Affected: yes.

Mayo Clinic Laboratories, Mayo Clinic
Classification: Benign. Last evaluated: 2019-03-08. Review status: criteria provided, single submitter. Criteria: ACMG Guidelines, 2015. Collection method: clinical testing. Allele origin: germline. Observed: 14 variant alleles.

Center for Pediatric Genomic Medicine, Children's Mercy Hospital and Clinics
Classification: Benign. Last evaluated: 2015-04-20. Review status: criteria provided, single submitter. Criteria: ACMG Guidelines, 2015. Collection method: clinical testing. Allele origin: germline.

PreventionGenetics, part of Exact Sciences
Classification: Benign for DPM1-related condition. Last evaluated: 2024-07-01. Review status: no assertion criteria provided. Collection method: clinical testing. Allele origin: germline. Not counted in ClinVar's aggregate classification.
Comment: This variant is classified as benign based on ACMG/AMP sequence variant interpretation guidelines (Richards et al. 2015 PMID: 25741868, with internal and published modifications).